The following is an entry in ClinVar:

ClinVar aggregate classification (germline): Uncertain significance (1 of 4 stars; one submission).

Conditions:
Cystic fibrosis (CF). Also called: MUCOVISCIDOSIS. Identifiers: Orphanet 586, MedGen C0010674, MONDO:0009061, OMIM 219700. Disease mechanism: loss of function.

Submission:

Ambry Genetics
Classification: Uncertain significance for Cystic fibrosis. Last evaluated: 2015-03-18. Review status: criteria provided, single submitter. Criteria: Ambry Variant Classification Scheme 2023. Collection method: clinical testing. Allele origin: germline.
Comment: The p.V93D variant (also known as c.278T>A), located in coding exon 4 of the CFTR gene, results from a T to A substitution at nucleotide position 278. The valine at codon 93 is replaced by aspartic acid, an amino acid with highly dissimilar properties. This variant was not reported in population based cohorts in the following databases: Database of Single Nucleotide Polymorphisms (dbSNP), NHLBI Exome Sequencing Project (ESP), and 1000 Genomes Project. In the ESP, this variant was not observed in 6503 samples (13006 alleles) with coverage at this position. This amino acid position is conserved in all available species, except in fish. In addition, this alteration is predicted to be deleterious by in silico analysis. Since supporting evidence is limited at this time, the clinical significance of this variant remains unclear.

NM_000492.4(CFTR):c.278T>A (p.Val93Asp)

Gene: CFTR (CF transmembrane conductance regulator; plus strand). Cytogenetic location: 7q31.2.
Variant type: single nucleotide variant.
Coding change: c.278T>A on transcript NM_000492.4 (MANE Select); coding-DNA position 278, T replaced by A.
Protein change: p.Val93Asp; replaces valine 93 with aspartic acid.
Molecular consequence: missense variant.
Genome position (GRCh38, 1-based): chr7:117,530,903, T>A. VCF-style: chr7-117530903-T-A. GRCh37 (hg19) VCF-style: chr7-117170957-T-A.
Other names: short protein forms V93D.
Identifiers: ClinVar variation 1796028 (VCV001796028.2), dbSNP rs2485008826, ClinGen allele CA368974193.
Genomic context (GRCh38, chr7:117,530,903, plus strand): 5'-GGGTATTTTATGAGAAATAAATGAAATTTAATTTCTCTGTTTTTCCCCTTTTGTAGGAAG[T>A]CACCAAAGCAGTACAGCCTCTCTTACTGGGAAGAATCATAGCTTCCTATGACCCGGATAA-3'
Protein context (NP_000483.3, residues 83-103): FYGIFLYLGE[Val93Asp]TKAVQPLLLG